The following is an entry in ClinVar:

NM_005629.4(SLC6A8):c.1290C>T (p.Leu430=)

Gene: SLC6A8 (solute carrier family 6 member 8; plus strand). Cytogenetic location: Xq28.
Variant type: single nucleotide variant.
Coding change: c.1290C>T on transcript NM_005629.4 (MANE Select); coding-DNA position 1290, C replaced by T.
Protein change: p.Leu430=; no amino-acid change (leucine 430 retained).
Molecular consequence: synonymous variant.
Genome position (GRCh38, 1-based): chrX:153,694,165, C>T. VCF-style: chrX-153694165-C-T. GRCh37 (hg19) VCF-style: chrX-152959620-C-T.
Other names: c.1260C>T, p.Leu420= (NM_001142805.2); c.945C>T, p.Leu315= (NM_001142806.1).
Identifiers: ClinVar variation 515345 (VCV000515345.12), dbSNP rs782667574, ClinGen allele CA10549485.

ClinVar aggregate classification (germline): Likely benign. Review status: criteria provided, multiple submitters, no conflicts (2 of 4 stars). 3 submissions from 3 submitters: Likely benign (3). Last evaluated 2025-07-13.

Conditions:
Inborn genetic diseases. Identifiers: MedGen C0950123, MeSH D030342.
Creatine transporter deficiency (CCDS1). Also called: Creatine Transporter (CRTR) Deficiency; Mental retardation , X-linked with seizures, short stature and midface hypoplasia; Mental retardation , X-linked, with creatine transport deficiency; X-linked creatine transporter deficiency; X-linked creatine deficiency syndrome; SLC6A8-Related Creatine Transporter Deficiency. Identifiers: Orphanet 52503, MedGen C1845862, MONDO:0010305, OMIM 300352.

Allele frequency attached by ClinVar (database versions not stated): ExAC 0.00001; gnomAD 0.00001 and 0.00002; gnomAD exomes 0.00003; TOPMed 0.00005.
gnomAD v4.1: 33 of 1,208,539 alleles (0.0027%); highest among the groups gnomAD compares: Admixed American, 0.0087%; no homozygotes.

Submissions (3):

Labcorp Genetics (formerly Invitae), Labcorp
Classification: Likely benign for Creatine transporter deficiency. Last evaluated: 2025-07-13. Review status: criteria provided, single submitter. Criteria: Invitae Variant Classification Sherloc (09022015). Collection method: clinical testing. Allele origin: germline.

Ambry Genetics
Classification: Likely benign for Inborn genetic diseases. Last evaluated: 2019-12-30. Review status: criteria provided, single submitter. Criteria: Ambry Variant Classification Scheme 2023. Collection method: clinical testing. Allele origin: germline.

GeneDx
Classification: Likely benign. Last evaluated: 2018-02-19. Review status: criteria provided, single submitter. Criteria: GeneDx Variant Classification (06012015). Collection method: clinical testing. Allele origin: germline. Affected: yes.
Comment: This variant is considered likely benign or benign based on one or more of the following criteria: it is a conservative change, it occurs at a poorly conserved position in the protein, it is predicted to be benign by multiple in silico algorithms, and/or has population frequency not consistent with disease.